The following is an entry in ClinVar:

ClinVar aggregate classification (germline): Conflicting classifications of pathogenicity. Review status: criteria provided, conflicting classifications (1 of 4 stars). 3 submissions from 3 submitters: Uncertain significance (2); Likely benign (1). Last evaluated 2026-01-19.

Conditions:
Inborn genetic diseases. Identifiers: MedGen C0950123, MeSH D030342.

Allele frequency attached by ClinVar (database versions not stated): gnomAD 0.00001; ExAC 0.00002; gnomAD exomes 0.00002; TOPMed 0.00002.
gnomAD v4.1: 33 of 1,612,152 alleles (0.002%); highest among the groups gnomAD compares: Middle Eastern, 0.019%; no homozygotes.

Submissions (3):

Labcorp Genetics (formerly Invitae), Labcorp
Classification: Uncertain significance. Last evaluated: 2026-01-19. Review status: criteria provided, single submitter. Criteria: Invitae Variant Classification Sherloc (09022015). Collection method: clinical testing. Allele origin: germline.
Comment: This sequence change replaces arginine, which is basic and polar, with glutamine, which is neutral and polar, at codon 482 of the AARS2 protein (p.Arg482Gln). This variant is present in population databases (rs368303351, gnomAD 0.006%). This variant has not been reported in the literature in individuals affected with AARS2-related conditions. ClinVar contains an entry for this variant (Variation ID: 213954). Invitae Evidence Modeling of protein sequence and biophysical properties (such as structural, functional, and spatial information, amino acid conservation, physicochemical variation, residue mobility, and thermodynamic stability) indicates that this missense variant is not expected to disrupt AARS2 protein function with a negative predictive value of 80%. In summary, the available evidence is currently insufficient to determine the role of this variant in disease. Therefore, it has been classified as a Variant of Uncertain Significance.

Ambry Genetics
Classification: Likely benign for Inborn genetic diseases. Last evaluated: 2024-02-05. Review status: criteria provided, single submitter. Criteria: Ambry Variant Classification Scheme 2023. Collection method: clinical testing. Allele origin: germline.

GeneDx
Classification: Uncertain significance. Last evaluated: 2019-05-15. Review status: criteria provided, single submitter. Criteria: GeneDx Variant Classification Process June 2021. Collection method: clinical testing. Allele origin: germline. Affected: yes.
Comment: Not observed at a significant frequency in large population cohorts (Lek et al., 2016); In silico analysis, which includes protein predictors and evolutionary conservation, supports that this variant does not alter protein structure/function; Has not been previously published as pathogenic or benign to our knowledge

NM_020745.4(AARS2):c.1445G>A (p.Arg482Gln)

Gene: AARS2 (alanyl-tRNA synthetase 2, mitochondrial; minus strand). Cytogenetic location: 6p21.1.
Variant type: single nucleotide variant.
Coding change: c.1445G>A on transcript NM_020745.4 (MANE Select); coding-DNA position 1445, G replaced by A.
Protein change: p.Arg482Gln; replaces arginine 482 with glutamine.
Molecular consequence: missense variant.
Genome position (GRCh38, 1-based): chr6:44,305,188, C>T on the plus strand (G>A on the coding strand, the complement: AARS2 is on the minus strand). VCF-style: chr6-44305188-C-T. GRCh37 (hg19) VCF-style: chr6-44272925-C-T.
Other names: p.R482Q:CGG>CAG; short protein forms R482Q.
Identifiers: ClinVar variation 213954 (VCV000213954.45), dbSNP rs368303351, ClinGen allele CA325373.